The following is an entry in ClinVar:

ClinVar aggregate classification (germline): Uncertain significance. Review status: criteria provided, multiple submitters, no conflicts (2 of 4 stars). 2 submissions from 2 submitters: Uncertain significance (2). Last evaluated 2022-07-17.

Conditions:
Hereditary cancer-predisposing syndrome. Also called: Hereditary neoplastic syndrome; Tumor predisposition; Neoplastic Syndromes, Hereditary; Hereditary Cancer Syndrome. Identifiers: Orphanet 140162, MedGen C0027672, MeSH D009386, MONDO:0015356.

Submissions (2):

Ambry Genetics
Classification: Uncertain significance for Hereditary cancer-predisposing syndrome. Last evaluated: 2022-07-17. Review status: criteria provided, single submitter. Criteria: Ambry Variant Classification Scheme 2023. Collection method: clinical testing. Allele origin: germline.
Comment: The p.K832Q variant (also known as c.2494A>C), located in coding exon 15 of the RAD50 gene, results from an A to C substitution at nucleotide position 2494. The lysine at codon 832 is replaced by glutamine, an amino acid with similar properties. This amino acid position is conserved. In addition, the in silico prediction for this alteration is inconclusive. Since supporting evidence is limited at this time, the clinical significance of this alteration remains unclear.

Labcorp Genetics (formerly Invitae), Labcorp
Classification: Uncertain significance for Hereditary cancer-predisposing syndrome. Last evaluated: 2021-05-05. Review status: criteria provided, single submitter. Criteria: Invitae Variant Classification Sherloc (09022015). Collection method: clinical testing. Allele origin: germline.
Comment: Algorithms developed to predict the effect of missense changes on protein structure and function (SIFT, PolyPhen-2, Align-GVGD) all suggest that this variant is likely to be tolerated, but these predictions have not been confirmed by published functional studies and their clinical significance is uncertain. This variant has not been reported in the literature in individuals with RAD50-related conditions. This variant is not present in population databases (ExAC no frequency). This sequence change replaces lysine with glutamine at codon 832 of the RAD50 protein (p.Lys832Gln). The lysine residue is moderately conserved and there is a small physicochemical difference between lysine and glutamine. In summary, the available evidence is currently insufficient to determine the role of this variant in disease. Therefore, it has been classified as a Variant of Uncertain Significance.

NM_005732.4(RAD50):c.2494A>C (p.Lys832Gln)

Gene: RAD50 (RAD50 double strand break repair protein; plus strand). Cytogenetic location: 5q31.1.
Variant type: single nucleotide variant.
Coding change: c.2494A>C on transcript NM_005732.4 (MANE Select); coding-DNA position 2494, A replaced by C.
Protein change: p.Lys832Gln; replaces lysine 832 with glutamine.
Molecular consequence: missense variant.
Genome position (GRCh38, 1-based): chr5:132,604,016, A>C. VCF-style: chr5-132604016-A-C. GRCh37 (hg19) VCF-style: chr5-131939708-A-C.
Other names: short protein forms K832Q.
Identifiers: ClinVar variation 1503772 (VCV001503772.10), dbSNP rs2149847313, ClinGen allele CA360955786.